The following is an entry in ClinVar:

NM_005188.4(CBL):c.870-3T>C

Gene: CBL (Cbl proto-oncogene; plus strand). Cytogenetic location: 11q23.3.
Variant type: single nucleotide variant.
Coding change: c.870-3T>C on transcript NM_005188.4 (MANE Select); 3 bases into the intron before coding-DNA position 870, T replaced by C.
Molecular consequence: intron variant.
Genome position (GRCh38, 1-based): chr11:119,275,994, T>C. VCF-style: chr11-119275994-T-C. GRCh37 (hg19) VCF-style: chr11-119146704-T-C.
Identifiers: ClinVar variation 4720159 (VCV004720159.1).

ClinVar aggregate classification (germline): Uncertain significance (1 of 4 stars; one submission).

Conditions:
RASopathy. Also called: Noonan spectrum disorder; rasopathies. Identifiers: Orphanet 536391, MedGen C5555857, MONDO:0021060.

gnomAD v4.1: 1 of 1,614,128 alleles (0.000062%); highest among the groups gnomAD compares: Non-Finnish European, 0.000085%; no homozygotes.

Submission:

Labcorp Genetics (formerly Invitae), Labcorp
Classification: Uncertain significance for RASopathy. Last evaluated: 2025-05-25. Review status: criteria provided, single submitter. Criteria: Invitae Variant Classification Sherloc (09022015). Collection method: clinical testing. Allele origin: germline.
Comment: This sequence change falls in intron 5 of the CBL gene. It does not directly change the encoded amino acid sequence of the CBL protein. It affects a nucleotide within the consensus splice site. This variant is present in population databases (rs749773074, gnomAD 0.006%). This variant has not been reported in the literature in individuals affected with CBL-related conditions. Variants that disrupt the consensus splice site are a relatively common cause of aberrant splicing (PMID: 17576681, 9536098). Algorithms developed to predict the effect of sequence changes on RNA splicing suggest that this variant is not likely to affect RNA splicing. In summary, the available evidence is currently insufficient to determine the role of this variant in disease. Therefore, it has been classified as a Variant of Uncertain Significance.

Literature cited by the submitters: PubMed 17576681; PubMed 9536098.